The following is an entry in ClinVar:

ClinVar aggregate classification (germline): Likely pathogenic (1 of 4 stars; one submission).

Conditions:
3-Methylglutaconic aciduria type 2 (BTHS). Also called: Barth syndrome; CARDIOSKELETAL MYOPATHY WITH NEUTROPENIA AND ABNORMAL MITOCHONDRIA. Identifiers: Orphanet 111, MedGen C0574083, MONDO:0010543, OMIM 302060.

Submission:

Laboratory for Molecular Medicine, Mass General Brigham Personalized Medicine
Classification: Likely pathogenic for 3-Methylglutaconic aciduria type 2. Last evaluated: 2012-06-01. Review status: criteria provided, single submitter. Criteria: LMM Criteria. Collection method: clinical testing. Allele origin: germline. Observed: 3 variant alleles.
Comment: Computational analyses (biochemical amino acid properties, conservation, AlignGVGD, PolyPhen2, and SIFT) suggest that the Cys103Arg variant may impact the protein, though this information is not predict ive enough to determine pathogenicity. The presence of a TAZ variant is consiste nt with a clinical diagnosis of Barth syndrome and most TAZ variants are pathoge nic. In summary, this variant is likely to be pathogenic , though additional segregation studies and functional analyses are required to establish this with certainty.

NM_000116.5(TAFAZZIN):c.307T>C (p.Cys103Arg)

Gene: TAFAZZIN (tafazzin, phospholipid-lysophospholipid transacylase; plus strand). Cytogenetic location: Xq28.
Variant type: single nucleotide variant.
Coding change: c.307T>C on transcript NM_000116.5 (MANE Select); coding-DNA position 307, T replaced by C.
Protein change: p.Cys103Arg; replaces cysteine 103 with arginine.
Molecular consequence: missense variant. On other transcripts: non-coding transcript variant (1).
Genome position (GRCh38, 1-based): chrX:154,413,504, T>C. VCF-style: chrX-154413504-T-C. GRCh37 (hg19) VCF-style: chrX-153641841-T-C.
Other names: c.361T>C, p.Cys121Arg (NM_001303465.2); c.307T>C, p.Cys103Arg (NM_181311.4, NM_181312.4, NM_181313.4); short protein forms C103R, C121R.
Identifiers: ClinVar variation 42256 (VCV000042256.5), dbSNP rs397515740, ClinGen allele CA261282.
Genomic context (GRCh38, chrX:154,413,504, plus strand): 5'-TGCAGGGGGCAGGACTAATTGCATCTGTCCCTGCTTAGGACCCCTGCAGCTGCAGACATC[T>C]GCTTCACCAAGGAGCTACACTCCCACTTCTTCAGCTTGGGCAAGTGTGTGCCTGTGTGCC-3'
Protein context (NP_000107.1, residues 93-113): MRWTPAAADI[Cys103Arg]FTKELHSHFF